The following is an entry in ClinVar:

ClinVar aggregate classification (germline): Pathogenic. Review status: criteria provided, multiple submitters, no conflicts (2 of 4 stars). 2 submissions from 2 submitters: Pathogenic (2). Last evaluated 2025-09-01.

Conditions:
Retinitis pigmentosa (RP). Identifiers: Orphanet 791, MedGen C0035334, MeSH D012174, MONDO:0019200, OMIM 268000. Inheritance: Autosomal dominant, autosomal recessive and X linked inheritance.

Submissions (2):

Labcorp Genetics (formerly Invitae), Labcorp
Classification: Pathogenic. Last evaluated: 2025-09-01. Review status: criteria provided, single submitter. Criteria: Invitae Variant Classification Sherloc (09022015). Collection method: clinical testing. Allele origin: germline.
Comment: This sequence change creates a premature translational stop signal (p.Gln163*) in the TULP1 gene. It is expected to result in an absent or disrupted protein product. Loss-of-function variants in TULP1 are known to be pathogenic (PMID: 8606774, 10549638, 15024725, 18055821). This variant is not present in population databases (gnomAD no frequency). This premature translational stop signal has been observed in individual(s) with retinitis pigmentosa (PMID: 28981474). ClinVar contains an entry for this variant (Variation ID: 1297129). For these reasons, this variant has been classified as Pathogenic.

Broad Center for Mendelian Genomics, Broad Institute of MIT and Harvard
Classification: Pathogenic for Retinitis pigmentosa. Last evaluated: 2021-04-01. Review status: criteria provided, single submitter. Criteria: ACMG Guidelines, 2015. Collection method: curation. Allele origin: germline. Inheritance: Autosomal recessive inheritance. Affected: yes.
Comment: Through a review of available evidence we were able to apply the following criteria: PVS1, PM2, PM3-P. Based on this evidence we have classified this variant as Pathogenic. If you have any questions about the classification please reach out to the Pierce Lab.

Literature cited by the submitters: PubMed 8606774 (cited by Labcorp Genetics (formerly Invitae), Labcorp); PubMed 10549638 (cited by Labcorp Genetics (formerly Invitae), Labcorp); PubMed 15024725 (cited by Labcorp Genetics (formerly Invitae), Labcorp); PubMed 18055821 (cited by Labcorp Genetics (formerly Invitae), Labcorp); PubMed 28981474 (cited by Labcorp Genetics (formerly Invitae), Labcorp and Broad Center for Mendelian Genomics, Broad Institute of MIT and Harvard); PubMed 34906470 (cited by Broad Center for Mendelian Genomics, Broad Institute of MIT and Harvard).

NM_003322.6(TULP1):c.487C>T (p.Gln163Ter)

Gene: TULP1 (TUB like protein 1; minus strand). Cytogenetic location: 6p21.31.
Variant type: single nucleotide variant.
Coding change: c.487C>T on transcript NM_003322.6 (MANE Select); coding-DNA position 487, C replaced by T.
Protein change: p.Gln163Ter; replaces glutamine 163 with a stop codon.
Molecular consequence: nonsense.
Genome position (GRCh38, 1-based): chr6:35,510,873, G>A on the plus strand (C>T on the coding strand, the complement: TULP1 is on the minus strand). VCF-style: chr6-35510873-G-A. GRCh37 (hg19) VCF-style: chr6-35478650-G-A.
Other names: c.328C>T, p.Gln110Ter (NM_001289395.2); short protein forms Q110*, Q163*.
Identifiers: ClinVar variation 1297129 (VCV001297129.3), dbSNP rs2150927932, ClinGen allele CA363783033.